The following is an entry in ClinVar:

NM_002734.5(PRKAR1A):c.1070G>A (p.Arg357His)

Gene: PRKAR1A (protein kinase cAMP-dependent type I regulatory subunit alpha; plus strand). Cytogenetic location: 17q24.2.
Variant type: single nucleotide variant.
Coding change: c.1070G>A on transcript NM_002734.5 (MANE Select); coding-DNA position 1070, G replaced by A.
Protein change: p.Arg357His; replaces arginine 357 with histidine.
Molecular consequence: missense variant. On other transcripts: intron variant (1).
Genome position (GRCh38, 1-based): chr17:68,530,373, G>A. VCF-style: chr17-68530373-G-A. GRCh37 (hg19) VCF-style: chr17-66526514-G-A.
Other names: c.1070G>A, p.Arg357His (NM_001276289.2, NM_001278433.2, NM_001369389.1 and 3 more transcripts); c.973+372G>A (NM_001276290.1); short protein forms R357H.
Identifiers: ClinVar variation 1041515 (VCV001041515.8), dbSNP rs2085940326, ClinGen allele CA400754754.
Genomic context (GRCh38, chr17:68,530,373, plus strand): 5'-CCACAGTTGTTGCTCGTGGCCCCTTGAAGTGCGTTAAGCTGGACCGACCTAGATTTGAAC[G>A]TGTTCTTGGCCCATGCTCAGACATCCTCAAACGAAACATCCAGCAGTACAACAGTTTTGT-3'
Protein context (NP_002725.1, residues 347-367): CVKLDRPRFE[Arg357His]VLGPCSDILK

ClinVar aggregate classification (germline): Uncertain significance (1 of 4 stars; one submission).

Conditions:
Carney complex, type 1 (CNC1). Also called: CARNEY COMPLEX, TYPE I; CARNEY MYXOMA-ENDOCRINE COMPLEX. Identifiers: Orphanet 1359, MedGen C2607929, MONDO:0008057, OMIM 160980.

Allele frequency attached by ClinVar (database versions not stated): gnomAD exomes below 0.00001.
gnomAD v4.1: 2 of 1,614,092 alleles (0.00012%); highest among the groups gnomAD compares: Non-Finnish European, 0.00017%; no homozygotes.

Submission:

Labcorp Genetics (formerly Invitae), Labcorp
Classification: Uncertain significance for Carney complex, type 1. Last evaluated: 2026-01-06. Review status: criteria provided, single submitter. Criteria: Invitae Variant Classification Sherloc (09022015). Collection method: clinical testing. Allele origin: germline.
Comment: This sequence change replaces arginine, which is basic and polar, with histidine, which is basic and polar, at codon 357 of the PRKAR1A protein (p.Arg357His). This variant is not present in population databases (gnomAD no frequency). This variant has not been reported in the literature in individuals affected with PRKAR1A-related conditions. ClinVar contains an entry for this variant (Variation ID: 1041515). Invitae Evidence Modeling of protein sequence and biophysical properties (such as structural, functional, and spatial information, amino acid conservation, physicochemical variation, residue mobility, and thermodynamic stability) indicates that this missense variant is expected to disrupt PRKAR1A protein function with a positive predictive value of 80%. In summary, the available evidence is currently insufficient to determine the role of this variant in disease. Therefore, it has been classified as a Variant of Uncertain Significance.